The following is an entry in ClinVar:

ClinVar aggregate classification (germline): Uncertain significance. Review status: criteria provided, multiple submitters, no conflicts (2 of 4 stars). 2 submissions from 2 submitters: Uncertain significance (2). Last evaluated 2023-09-08.

Conditions:
Cardiovascular phenotype. Identifiers: MedGen CN230736.

Submissions (2):

Clinical Genomics Laboratory, Stanford Medicine
Classification: Uncertain significance. Last evaluated: 2023-09-08. Review status: criteria provided, single submitter. Criteria: ACMG Guidelines, 2015. Collection method: clinical testing. Allele origin: germline. Observed: 1 variant allele, 1 heterozygote.
Comment: The p.Lys1779Asnfs*7 variant in the SCN10A gene has not been previously reported in association with disease. This variant has been identified in 1/68,018 European non-Finnish chromosomes (1/152,076 chromosomes overall) by the Genome Aggregation Database. This variant is present in ClinVar (Accession: VCV001746904.2). This variant results in a 1 bp deletion in exon 28 of 28 exons, causing a shift in the protein reading frame and leading to a premature termination codon 7 amino acids downstream. Premature termination at this location is not predicted to undergo nonsense-mediated decay, increasing the likelihood of an expressed truncated protein. Loss-of-function is not currently a definitively established mechanism of disease for the SCN10A gene. These data were assessed using the ACMG/AMP variant interpretation guidelines. In summary, the significance of the p.Lys1779Asnfs*7 variant is uncertain. Additional information is needed to resolve the significance of this variant. [ACMG evidence codes used: PM2; PM4]

Ambry Genetics
Classification: Uncertain significance for Cardiovascular phenotype. Last evaluated: 2022-01-26. Review status: criteria provided, single submitter. Criteria: Ambry Variant Classification Scheme 2023. Collection method: clinical testing. Allele origin: germline.
Comment: The c.5337delA variant, located in coding exon 27 of the SCN10A gene, results from a deletion of one nucleotide at nucleotide position 5337, causing a translational frameshift with a predicted alternate stop codon (p.K1779Nfs*7). This alteration is expected to result in loss of function by premature protein truncation or nonsense-mediated mRNA decay. However, the evidence for this gene-disease relationship is limited; therefore, the clinical significance of this alteration is unclear.

NM_006514.4(SCN10A):c.5337del (p.Lys1779fs)

Gene: SCN10A (sodium voltage-gated channel alpha subunit 10; minus strand). Cytogenetic location: 3p22.2.
Variant type: Deletion.
Coding change: c.5337del on transcript NM_006514.4 (MANE Select); coding-DNA position 5337, one base deleted (A; older notation c.5337delA).
Protein change: p.Lys1779fs; shifts the reading frame from lysine 1779.
Molecular consequence: frameshift variant.
Genome position (GRCh38, 1-based): chr3:38,697,883, T deleted on the plus strand (A on the coding strand, the reverse complement: SCN10A is on the minus strand); the first of 4 consecutive T bases (chr3:38,697,883-38,697,886); deleting any one gives the same sequence. VCF-style (leftmost placement, unchanged base first): chr3-38697882-GT-G. GRCh37 (hg19) VCF-style: chr3-38739373-GT-G.
Other names: c.5334del, p.Lys1778fs (NM_001293306.2); c.5043del, p.Lys1681fs (NM_001293307.2); c.5337delA (NM_006514.4); short protein forms K1778fs, K1681fs, K1779fs.
Identifiers: ClinVar variation 1746904 (VCV001746904.3), dbSNP rs781720615, ClinGen allele CA2319693.